The following is an entry in ClinVar:

NM_001377.3(DYNC2H1):c.6740A>G (p.Glu2247Gly)

Gene: DYNC2H1 (dynein cytoplasmic 2 heavy chain 1; plus strand). Cytogenetic location: 11q22.3.
Variant type: single nucleotide variant.
Coding change: c.6740A>G on transcript NM_001377.3 (MANE Select); coding-DNA position 6740, A replaced by G.
Protein change: p.Glu2247Gly; replaces glutamic acid 2247 with glycine.
Molecular consequence: missense variant.
Genome position (GRCh38, 1-based): chr11:103,186,348, A>G. VCF-style: chr11-103186348-A-G. GRCh37 (hg19) VCF-style: chr11-103057077-A-G.
Other names: c.6740A>G, p.Glu2247Gly (NM_001080463.2); c.6740A>G (NM_001080463.1); short protein forms E2247G.
Identifiers: ClinVar variation 2146127 (VCV002146127.3), dbSNP rs754963611, ClinGen allele CA6254063.

ClinVar aggregate classification (germline): Uncertain significance. Review status: criteria provided, multiple submitters, no conflicts (2 of 4 stars). 2 submissions from 2 submitters: Uncertain significance (2). Last evaluated 2024-08-05.

Conditions:
Inborn genetic diseases. Identifiers: MedGen C0950123, MeSH D030342.
Jeune thoracic dystrophy. Also called: Jeune syndrome; Short-rib thoracic dysplasia; Infantile thoracic dystrophy; Thoracic pelvic phalangeal dystrophy; Jeune's syndrome; Chondroectodermal dysplasia-like syndrome. Identifiers: Orphanet 474, MedGen C0265275, MONDO:0018770.

Allele frequency attached by ClinVar (database versions not stated): gnomAD exomes 0.00001; TOPMed 0.00002; ExAC 0.00003.
gnomAD v4.1: 8 of 1,612,898 alleles (0.0005%); highest among the groups gnomAD compares: Admixed American, 0.013%; no homozygotes.

Submissions (2):

Ambry Genetics
Classification: Uncertain significance for Inborn genetic diseases. Last evaluated: 2024-08-05. Review status: criteria provided, single submitter. Criteria: Ambry Variant Classification Scheme 2023. Collection method: clinical testing. Allele origin: germline.

Labcorp Genetics (formerly Invitae), Labcorp
Classification: Uncertain significance for Jeune thoracic dystrophy. Last evaluated: 2024-03-04. Review status: criteria provided, single submitter. Criteria: Invitae Variant Classification Sherloc (09022015). Collection method: clinical testing. Allele origin: germline.
Comment: This sequence change replaces glutamic acid, which is acidic and polar, with glycine, which is neutral and non-polar, at codon 2247 of the DYNC2H1 protein (p.Glu2247Gly). This variant is present in population databases (rs754963611, gnomAD 0.03%). This variant has not been reported in the literature in individuals affected with DYNC2H1-related conditions. ClinVar contains an entry for this variant (Variation ID: 2146127). Advanced modeling of protein sequence and biophysical properties (such as structural, functional, and spatial information, amino acid conservation, physicochemical variation, residue mobility, and thermodynamic stability) has been performed at Invitae for this missense variant, however the output from this modeling did not meet the statistical confidence thresholds required to predict the impact of this variant on DYNC2H1 protein function. In summary, the available evidence is currently insufficient to determine the role of this variant in disease. Therefore, it has been classified as a Variant of Uncertain Significance.